The following is an entry in ClinVar:

ClinVar aggregate classification (germline): Uncertain significance. Review status: criteria provided, multiple submitters, no conflicts (2 of 4 stars). 2 submissions from 2 submitters: Uncertain significance (2). Last evaluated 2025-06-09.

Conditions:
Inborn genetic diseases. Identifiers: MedGen C0950123, MeSH D030342.

gnomAD v4.1: 1 of 1,609,098 alleles (0.000062%); highest among the groups gnomAD compares: Admixed American, 0.0017%; no homozygotes.

Submissions (2):

Ambry Genetics
Classification: Uncertain significance for Inborn genetic diseases. Last evaluated: 2025-06-09. Review status: criteria provided, single submitter. Criteria: Ambry Variant Classification Scheme 2023. Collection method: clinical testing. Allele origin: germline.

GeneDx
Classification: Uncertain significance. Last evaluated: 2023-06-02. Review status: criteria provided, single submitter. Criteria: GeneDx Variant Classification Process June 2021. Collection method: clinical testing. Allele origin: germline. Affected: yes.
Comment: Not observed at significant frequency in large population cohorts (gnomAD); In silico analysis supports that this missense variant does not alter protein structure/function; Has not been previously published as pathogenic or benign to our knowledge

NM_005883.3(APC2):c.376G>T (p.Ala126Ser)

Gene: APC2 (APC regulator of Wnt signaling pathway 2; plus strand). Cytogenetic location: 19p13.3.
Variant type: single nucleotide variant.
Coding change: c.376G>T on transcript NM_005883.3 (MANE Select); coding-DNA position 376, G replaced by T.
Protein change: p.Ala126Ser; replaces alanine 126 with serine.
Molecular consequence: missense variant.
Genome position (GRCh38, 1-based): chr19:1,453,574, G>T. VCF-style: chr19-1453574-G-T. GRCh37 (hg19) VCF-style: chr19-1453573-G-T.
Other names: c.376G>T, p.Ala126Ser (NM_001351273.1); short protein forms A126S.
Identifiers: ClinVar variation 3359374 (VCV003359374.2).